The following is an entry in ClinVar:

NM_004092.4(ECHS1):c.89-294A>C

Gene: ECHS1 (enoyl-CoA hydratase, short chain 1; minus strand). Cytogenetic location: 10q26.3.
Variant type: single nucleotide variant.
Coding change: c.89-294A>C on transcript NM_004092.4 (MANE Select); 294 bases into the intron before coding-DNA position 89, A replaced by C.
Molecular consequence: intron variant.
Genome position (GRCh38, 1-based): chr10:133,371,051, T>G on the plus strand (A>C on the coding strand, the complement: ECHS1 is on the minus strand). VCF-style: chr10-133371051-T-G. GRCh37 (hg19) VCF-style: chr10-135184555-T-G.
Identifiers: ClinVar variation 683757 (VCV000683757.1), dbSNP rs7904198, ClinGen allele CA216819538.

ClinVar aggregate classification (germline): Benign (1 of 4 stars; one submission).

Allele frequency attached by ClinVar (database versions not stated): TOPMed 0.97944; 1000 Genomes Project 30x 0.98126; 1000 Genomes Project 0.98163; gnomAD 0.98283.
gnomAD v4.1: 149,655 of 152,346 alleles (98%); highest among the groups gnomAD compares: Middle Eastern, 100%; 73,552 homozygotes.

Submission:

GeneDx
Classification: Benign. Last evaluated: 2018-06-14. Review status: criteria provided, single submitter. Criteria: GeneDx Variant Classification (06012015). Collection method: clinical testing. Allele origin: germline. Affected: yes.
Comment: This variant is considered likely benign or benign based on one or more of the following criteria: it is a conservative change, it occurs at a poorly conserved position in the protein, it is predicted to be benign by multiple in silico algorithms, and/or has population frequency not consistent with disease.